The following is an entry in ClinVar:

NM_000441.2(SLC26A4):c.61A>G (p.Met21Val)

Genes: SLC26A4 (solute carrier family 26 member 4; plus strand), SLC26A4-AS1 (SLC26A4 antisense RNA 1; minus strand). Cytogenetic location: 7q22.3.
Variant type: single nucleotide variant.
Coding change: c.61A>G on transcript NM_000441.2 (MANE Select); coding-DNA position 61, A replaced by G.
Protein change: p.Met21Val; replaces methionine 21 with valine.
Molecular consequence: missense variant. On other transcripts: non-coding transcript variant (1).
Genome position (GRCh38, 1-based): chr7:107,661,702, A>G. VCF-style: chr7-107661702-A-G. GRCh37 (hg19) VCF-style: chr7-107302147-A-G.
Other names: short protein forms M21V.
Identifiers: ClinVar variation 505477 (VCV000505477.7), dbSNP rs375716219, ClinGen allele CA4432355.

ClinVar aggregate classification (germline): Conflicting classifications of pathogenicity. Review status: criteria provided, conflicting classifications (1 of 4 stars). 2 submissions from 2 submitters: Uncertain significance (1); Likely benign (1). Last evaluated 2024-10-21.

Allele frequency attached by ClinVar (database versions not stated): gnomAD exomes 0.00003; gnomAD 0.00007 and 0.00009; TOPMed 0.00008; ESP Exome Variant Server 0.00016; ExAC 0.00018.
gnomAD v4.1: 47 of 1,571,020 alleles (0.003%); highest among the groups gnomAD compares: African/African-American, 0.022%; no homozygotes.

Submissions (2):

Labcorp Genetics (formerly Invitae), Labcorp
Classification: Uncertain significance. Last evaluated: 2024-10-21. Review status: criteria provided, single submitter. Criteria: Invitae Variant Classification Sherloc (09022015). Collection method: clinical testing. Allele origin: germline.
Comment: This sequence change replaces methionine, which is neutral and non-polar, with valine, which is neutral and non-polar, at codon 21 of the SLC26A4 protein (p.Met21Val). The frequency data for this variant in the population databases is considered unreliable, as metrics indicate poor data quality at this position in the gnomAD database. This variant has not been reported in the literature in individuals affected with SLC26A4-related conditions. ClinVar contains an entry for this variant (Variation ID: 505477). An algorithm developed to predict the effect of missense changes on protein structure and function outputs the following: PolyPhen-2: "Benign". The valine amino acid residue is found in multiple mammalian species, which suggests that this missense change does not adversely affect protein function. Experimental studies have shown that this missense change does not substantially affect SLC26A4 function (PMID: 29320412). In summary, the available evidence is currently insufficient to determine the role of this variant in disease. Therefore, it has been classified as a Variant of Uncertain Significance.

Laboratory for Molecular Medicine, Mass General Brigham Personalized Medicine
Classification: Likely benign. Last evaluated: 2017-01-17. Review status: criteria provided, single submitter. Criteria: LMM Criteria. Collection method: clinical testing. Allele origin: germline. Observed: 1 variant allele.
Comment: p.Met21Val in exon 2 of SLC26A4: This variant is not expected to have clinical s ignificance due to a lack of conservation across species, including mammals. Of note, >40 mammals have a valine at this position despite high nearby amino acid conservation. In addition, computational prediction tools do not suggest a high likelihood of impact to the protein. It has also been identified in 0.15% (3/199 2) of African chromosomes by the Exome Aggregation Consortium (ExAC .; dbSNP rs375716219).

Literature cited by the submitters: PubMed 29320412 (cited by Labcorp Genetics (formerly Invitae), Labcorp).